The following is an entry in ClinVar:

NM_018444.4(PDP1):c.926C>T (p.Thr309Met)

Gene: PDP1 (pyruvate dehydrogenase phosphatase catalytic subunit 1; plus strand). Cytogenetic location: 8q22.1.
Variant type: single nucleotide variant.
Coding change: c.926C>T on transcript NM_018444.4 (MANE Select); coding-DNA position 926, C replaced by T.
Protein change: p.Thr309Met; replaces threonine 309 with methionine.
Molecular consequence: missense variant.
Genome position (GRCh38, 1-based): chr8:93,922,985, C>T. VCF-style: chr8-93922985-C-T. GRCh37 (hg19) VCF-style: chr8-94935213-C-T.
Other names: c.1001C>T, p.Thr334Met (NM_001161779.2, NM_001161780.2); c.926C>T, p.Thr309Met (NM_001161781.2); short protein forms T309M, T334M.
Identifiers: ClinVar variation 1019550 (VCV001019550.6), dbSNP rs750660703, ClinGen allele CA4808760.
Genomic context (GRCh38, chr8:93,922,985, plus strand): 5'-CTGGCGATAGCAGAGCCATGCTGGGTGTGCAGGAAGAGGACGGCTCATGGTCAGCAGTCA[C>T]GCTGTCTAATGACCACAATGCTCAAAATGAAAGAGAACTAGAACGGCTGAAATTGGAACA-3'
Protein context (NP_060914.2, residues 299-319): QEEDGSWSAV[Thr309Met]LSNDHNAQNE

ClinVar aggregate classification (germline): Uncertain significance. Review status: criteria provided, multiple submitters, no conflicts (2 of 4 stars). 2 submissions from 2 submitters: Uncertain significance (2). Last evaluated 2022-07-05.

Allele frequency attached by ClinVar (database versions not stated): ExAC 0.00001; gnomAD exomes 0.00001 and 0.00003; TOPMed 0.00003.
gnomAD v4.1: 19 of 1,614,098 alleles (0.0012%); highest among the groups gnomAD compares: Admixed American, 0.0033%; no homozygotes.

Submissions (2):

Labcorp Genetics (formerly Invitae), Labcorp
Classification: Uncertain significance. Last evaluated: 2022-07-05. Review status: criteria provided, single submitter. Criteria: Invitae Variant Classification Sherloc (09022015). Collection method: clinical testing. Allele origin: germline.
Comment: This sequence change replaces threonine, which is neutral and polar, with methionine, which is neutral and non-polar, at codon 309 of the PDP1 protein (p.Thr309Met). This variant is present in population databases (rs750660703, gnomAD 0.006%). This variant has not been reported in the literature in individuals affected with PDP1-related conditions. ClinVar contains an entry for this variant (Variation ID: 1019550). Algorithms developed to predict the effect of missense changes on protein structure and function are either unavailable or do not agree on the potential impact of this missense change (SIFT: "Deleterious"; PolyPhen-2: "Possibly Damaging"; Align-GVGD: "Class C0"). In summary, the available evidence is currently insufficient to determine the role of this variant in disease. Therefore, it has been classified as a Variant of Uncertain Significance.

Breakthrough Genomics
Classification: Uncertain significance. Review status: criteria provided, single submitter. Criteria: ACMG Guidelines, 2015. Collection method: not provided. Allele origin: germline. Inheritance: Autosomal recessive inheritance. Affected: yes.